The following is an entry in ClinVar:

NM_004493.3(HSD17B10):c.113T>C (p.Val38Ala)

Gene: HSD17B10 (hydroxysteroid 17-beta dehydrogenase 10; minus strand). Cytogenetic location: Xp11.22.
Variant type: single nucleotide variant.
Coding change: c.113T>C on transcript NM_004493.3 (MANE Select); coding-DNA position 113, T replaced by C.
Protein change: p.Val38Ala; replaces valine 38 with alanine.
Molecular consequence: missense variant.
Genome position (GRCh38, 1-based): chrX:53,433,801, A>G on the plus strand (T>C on the coding strand, the complement: HSD17B10 is on the minus strand). VCF-style: chrX-53433801-A-G. GRCh37 (hg19) VCF-style: chrX-53460748-A-G.
Other names: c.113T>C, p.Val38Ala (NM_001037811.2); short protein forms V38A.
Identifiers: ClinVar variation 1878522 (VCV001878522.1), dbSNP rs2521105002, ClinGen allele CA413154607.

ClinVar aggregate classification (germline): Uncertain significance (1 of 4 stars; one submission).

Conditions:
HSD10 mitochondrial disease (HSD10MD). Also called: Chorioathetosis with Mental Retardation and Abnormal Behavior; 2-METHYL-3-HYDROXYBUTYRYL-CoA DEHYDROGENASE DEFICIENCY; 2-methyl-3-hydroxybutyric aciduria; HSD10 deficiency; 3H2MBD deficiency; 3-hydroxy-2-methylbutyryl-CoA dehydrogenase deficiency. Identifiers: Orphanet 391417, Orphanet 85295, MedGen C3266731, MONDO:0010327, OMIM 300438. Disease mechanism: loss of function.

Allele frequency attached by ClinVar (database versions not stated): gnomAD exomes below 0.00001.

Submission:

Neuberg Centre For Genomic Medicine, NCGM
Classification: Uncertain significance for HSD10 mitochondrial disease. Review status: criteria provided, single submitter. Criteria: ACMG Guidelines, 2015. Collection method: clinical testing. Allele origin: germline. Affected: yes.
Comment: The missense variant p.V38A in HSD17B10 (NM_004493.3) has not been reported previously as a pathogenic variant nor as a benign variant, to our knowledge. The p.V38A variant is novel (not in any individuals) in gnomAD Exomes and is novel (not in any individuals) in 1000 Genomes. The p.V38A missense variant is predicted to be damaging by both SIFT and PolyPhen2. The valine residue at codon 38 of HSD17B10 is conserved in all mammalian species. The nucleotide c.113 in HSD17B10 is predicted conserved by GERP++ and PhyloP across 100 vertebrates. For these reasons, this variant has been classified as Uncertain Significance.